The following is an entry in ClinVar:

NM_001170700.3(DTHD1):c.977G>A (p.Arg326Gln)

Gene: DTHD1 (death domain containing 1; plus strand). Cytogenetic location: 4p14.
Variant type: single nucleotide variant.
Coding change: c.977G>A on transcript NM_001170700.3 (MANE Select); coding-DNA position 977, G replaced by A.
Protein change: p.Arg326Gln; replaces arginine 326 with glutamine.
Molecular consequence: missense variant. On other transcripts: non-coding transcript variant (2).
Genome position (GRCh38, 1-based): chr4:36,290,462, G>A. VCF-style: chr4-36290462-G-A. GRCh37 (hg19) VCF-style: chr4-36292084-G-A.
Other names: c.107G>A, p.Arg36Gln (NM_001136536.5, NM_001378435.1); c.602G>A (NM_001170700.1); short protein forms R326Q, R36Q.
Identifiers: ClinVar variation 1018498 (VCV001018498.10), dbSNP rs781043052, ClinGen allele CA95767277.
Genomic context (GRCh38, chr4:36,290,462, plus strand): 5'-GCCCCCAAGTGTCTTGTTATATTACAGCACCATCATATGTTCTACAACAACTAGAATGCC[G>A]GATAATAAATCACATGAGTTCTTTAATAGTGGGTGATAATGAAGAGTTAGTTAGCAACGT-3'
Protein context (NP_001164171.2, residues 316-336): PSYVLQQLEC[Arg326Gln]IINHMSSLIV

ClinVar aggregate classification (germline): Uncertain significance. Review status: criteria provided, multiple submitters, no conflicts (2 of 4 stars). 2 submissions from 2 submitters: Uncertain significance (2). Last evaluated 2025-12-20.

Allele frequency attached by ClinVar (database versions not stated): gnomAD exomes 0.00002 and 0.00003; TOPMed 0.00002; gnomAD 0.00003.
gnomAD v4.1: 45 of 1,551,672 alleles (0.0029%); highest among the groups gnomAD compares: Admixed American, 0.0098%; no homozygotes.

Submissions (2):

Labcorp Genetics (formerly Invitae), Labcorp
Classification: Uncertain significance. Last evaluated: 2025-12-20. Review status: criteria provided, single submitter. Criteria: Invitae Variant Classification Sherloc (09022015). Collection method: clinical testing. Allele origin: germline.
Comment: This sequence change replaces arginine, which is basic and polar, with glutamine, which is neutral and polar, at codon 36 of the DTHD1 protein (p.Arg36Gln). This variant is present in population databases (rs781043052, gnomAD 0.004%). This variant has not been reported in the literature in individuals affected with DTHD1-related conditions. ClinVar contains an entry for this variant (Variation ID: 1018498). An algorithm developed to predict the effect of missense changes on protein structure and function outputs the following: PolyPhen-2: "Benign". The glutamine amino acid residue is found in multiple mammalian species, which suggests that this missense change does not adversely affect protein function. In summary, the available evidence is currently insufficient to determine the role of this variant in disease. Therefore, it has been classified as a Variant of Uncertain Significance.

Ambry Genetics
Classification: Uncertain significance. Last evaluated: 2023-09-12. Review status: criteria provided, single submitter. Criteria: Ambry Variant Classification Scheme 2023. Collection method: clinical testing. Allele origin: germline.